The following is an entry in ClinVar:

ClinVar aggregate classification (germline): Uncertain significance. Review status: criteria provided, multiple submitters, no conflicts (2 of 4 stars). 2 submissions from 2 submitters: Uncertain significance (2). Last evaluated 2025-02-09.

gnomAD v4.1: 9 of 1,614,052 alleles (0.00056%); highest among the groups gnomAD compares: Admixed American, 0.0017%; no homozygotes.

Submissions (2):

Labcorp Genetics (formerly Invitae), Labcorp
Classification: Uncertain significance. Last evaluated: 2025-02-09. Review status: criteria provided, single submitter. Criteria: Invitae Variant Classification Sherloc (09022015). Collection method: clinical testing. Allele origin: germline.
Comment: This sequence change replaces alanine, which is neutral and non-polar, with threonine, which is neutral and polar, at codon 761 of the ITGB3 protein (p.Ala761Thr). This variant is present in population databases (rs767661092, gnomAD 0.003%). This variant has not been reported in the literature in individuals affected with ITGB3-related conditions. Invitae Evidence Modeling of protein sequence and biophysical properties (such as structural, functional, and spatial information, amino acid conservation, physicochemical variation, residue mobility, and thermodynamic stability) has been performed for this missense variant. However, the output from this modeling did not meet the statistical confidence thresholds required to predict the impact of this variant on ITGB3 protein function. In summary, the available evidence is currently insufficient to determine the role of this variant in disease. Therefore, it has been classified as a Variant of Uncertain Significance.

Blueprint Genetics
Classification: Uncertain significance. Last evaluated: 2020-12-08. Review status: criteria provided, single submitter. Criteria: ACMG Guidelines, 2015. Collection method: clinical testing. Allele origin: germline.

NM_000212.3(ITGB3):c.2281G>A (p.Ala761Thr)

Genes: EFCAB13-DT (EFCAB13 divergent transcript; minus strand), ITGB3 (integrin subunit beta 3; plus strand). Cytogenetic location: 17q21.32.
Variant type: single nucleotide variant.
Coding change: c.2281G>A on transcript NM_000212.3 (MANE Select); coding-DNA position 2281, G replaced by A.
Protein change: p.Ala761Thr; replaces alanine 761 with threonine.
Molecular consequence: missense variant.
Genome position (GRCh38, 1-based): chr17:47,307,617, G>A. VCF-style: chr17-47307617-G-A. GRCh37 (hg19) VCF-style: chr17-45384983-G-A.
Other names: short protein forms A761T.
Identifiers: ClinVar variation 4740122 (VCV004740122.2).